The following is an entry in ClinVar:

ClinVar aggregate classification (germline): Uncertain significance (1 of 4 stars; one submission).

Conditions:
Hereditary cancer-predisposing syndrome. Also called: Hereditary Cancer Syndrome; Neoplastic Syndromes, Hereditary; Tumor predisposition; Hereditary neoplastic syndrome. Identifiers: Orphanet 140162, MedGen C0027672, MeSH D009386, MONDO:0015356.

Allele frequency attached by ClinVar (database versions not stated): gnomAD exomes below 0.00001.
gnomAD v4.1: 2 of 1,603,790 alleles (0.00012%); highest among the groups gnomAD compares: Non-Finnish European, 0.00017%; no homozygotes.

Submission:

Ambry Genetics
Classification: Uncertain significance for Hereditary cancer-predisposing syndrome. Last evaluated: 2025-05-31. Review status: criteria provided, single submitter. Criteria: Ambry Variant Classification Scheme 2023. Collection method: clinical testing. Allele origin: germline.
Comment: The p.S1402G variant (also known as c.4204A>G), located in coding exon 29 of the SMARCA4 gene, results from an A to G substitution at nucleotide position 4204. The serine at codon 1402 is replaced by glycine, an amino acid with similar properties. This amino acid position is highly conserved in available vertebrate species. In addition, this alteration is predicted to be tolerated by in silico analysis. Based on the available evidence, the clinical significance of this variant remains unclear.

NM_001387283.1(SMARCA4):c.4204A>G (p.Ser1402Gly)

Gene: SMARCA4 (SWI/SNF related BAF chromatin remodeling complex subunit ATPase 4; plus strand). Cytogenetic location: 19p13.2.
Variant type: single nucleotide variant.
Coding change: c.4204A>G on transcript NM_001387283.1 (MANE Plus Clinical); coding-DNA position 4204, A replaced by G.
Protein change: p.Ser1402Gly; replaces serine 1402 with glycine.
Molecular consequence: missense variant. On other transcripts: intron variant (7).
Genome position (GRCh38, 1-based): chr19:11,039,491, A>G. VCF-style: chr19-11039491-A-G. GRCh37 (hg19) VCF-style: chr19-11150167-A-G.
Other names: c.4204A>G, p.Ser1402Gly (NM_001128849.3); c.4171-1816A>G (NM_001128844.3, NM_003072.5); c.4072-1816A>G (NM_001128847.4, NM_001374457.1, NM_001128848.2); c.4072-1807A>G (NM_001128845.2, NM_001128846.2); short protein forms S1402G.
Identifiers: ClinVar variation 480653 (VCV000480653.6), dbSNP rs1555787153, ClinGen allele CA404071352.